The following is an entry in ClinVar:

NM_020937.4(FANCM):c.1954C>G (p.Pro652Ala)

Gene: FANCM (FA complementation group M; plus strand). Cytogenetic location: 14q21.2.
Variant type: single nucleotide variant.
Coding change: c.1954C>G on transcript NM_020937.4 (MANE Select); coding-DNA position 1954, C replaced by G.
Protein change: p.Pro652Ala; replaces proline 652 with alanine.
Molecular consequence: missense variant.
Genome position (GRCh38, 1-based): chr14:45,167,115, C>G. VCF-style: chr14-45167115-C-G. GRCh37 (hg19) VCF-style: chr14-45636318-C-G.
Other names: c.1876C>G, p.Pro626Ala (NM_001308133.2); c.1954C>G, p.Pro652Ala (NM_001308134.2); c.1954C>G (NM_020937.3, NM_020937.2); short protein forms P626A, P652A.
Identifiers: ClinVar variation 1005851 (VCV001005851.11), dbSNP rs945079138, ClinGen allele CA259624195.

ClinVar aggregate classification (germline): Uncertain significance. Review status: criteria provided, multiple submitters, no conflicts (2 of 4 stars). 3 submissions from 3 submitters: Uncertain significance (2). 1 of the submissions does not count toward it. Last evaluated 2025-12-20.

Conditions:
Fanconi anemia (FA). Also called: Fanconi's anemia. Identifiers: Orphanet 84, MedGen C0015625, MeSH D005199, MONDO:0019391.
FANCM-related disorder. Also called: FANCM-related condition.

Allele frequency attached by ClinVar (database versions not stated): TOPMed 0.00004.
gnomAD v4.1: 10 of 1,613,808 alleles (0.00062%); highest among the groups gnomAD compares: African/African-American, 0.0027%; no homozygotes.

Submissions (3):

Labcorp Genetics (formerly Invitae), Labcorp
Classification: Uncertain significance for Fanconi anemia. Last evaluated: 2025-12-20. Review status: criteria provided, single submitter. Criteria: Invitae Variant Classification Sherloc (09022015). Collection method: clinical testing. Allele origin: germline.
Comment: This sequence change replaces proline, which is neutral and non-polar, with alanine, which is neutral and non-polar, at codon 652 of the FANCM protein (p.Pro652Ala). This variant is not present in population databases (gnomAD no frequency). This variant has not been reported in the literature in individuals affected with FANCM-related conditions. ClinVar contains an entry for this variant (Variation ID: 1005851). An algorithm developed to predict the effect of missense changes on protein structure and function outputs the following: PolyPhen-2: "Benign". The alanine amino acid residue is found in multiple mammalian species, which suggests that this missense change does not adversely affect protein function. In summary, the available evidence is currently insufficient to determine the role of this variant in disease. Therefore, it has been classified as a Variant of Uncertain Significance.

GeneDx
Classification: Uncertain significance. Last evaluated: 2023-01-06. Review status: criteria provided, single submitter. Criteria: GeneDx Variant Classification Process June 2021. Collection method: clinical testing. Allele origin: germline. Affected: yes.
Comment: Not observed at significant frequency in large population cohorts (gnomAD); In silico analysis supports that this missense variant does not alter protein structure/function; Has not been previously published as pathogenic or benign to our knowledge; This variant is associated with the following publications: (PMID: 29641532)

PreventionGenetics, part of Exact Sciences
Classification: Uncertain significance for FANCM-related condition. Last evaluated: 2023-10-24. Review status: no assertion criteria provided. Collection method: clinical testing. Allele origin: germline. Not counted in ClinVar's aggregate classification.
Comment: The FANCM c.1954C>G variant is predicted to result in the amino acid substitution p.Pro652Ala. To our knowledge, this variant has not been reported in the literature or in a large population database, indicating this variant is rare. At this time, the clinical significance of this variant is uncertain due to the absence of conclusive functional and genetic evidence.